The following is an entry in ClinVar:

NM_001372.4(DNAH9):c.3308G>A (p.Trp1103Ter)

Genes: DNAH9 (dynein axonemal heavy chain 9; plus strand), LOC126862505 (BRD4-independent group 4 enhancer GRCh37_chr17:11572478-11573677; plus strand). Cytogenetic location: 17p12.
Variant type: single nucleotide variant.
Coding change: c.3308G>A on transcript NM_001372.4 (MANE Select); coding-DNA position 3308, G replaced by A.
Protein change: p.Trp1103Ter; replaces tryptophan 1103 with a stop codon.
Molecular consequence: nonsense.
Genome position (GRCh38, 1-based): chr17:11,669,749, G>A. VCF-style: chr17-11669749-G-A. GRCh37 (hg19) VCF-style: chr17-11573066-G-A.
Other names: short protein forms W1103*.
Identifiers: ClinVar variation 4852407 (VCV004852407.1).

ClinVar aggregate classification (germline): Likely pathogenic (1 of 4 stars; one submission).

Conditions:
Ciliary dyskinesia, primary, 40. Also called: CILIARY DYSKINESIA, PRIMARY, 40, WITH OR WITHOUT SITUS INVERSUS. Identifiers: MedGen C4749028, MONDO:0032664, OMIM 618300.

Submission:

Rajaie Cardiovascular, Medical and Research Center, Iran University of Medical Sciences
Classification: Likely pathogenic for Ciliary dyskinesia, primary, 40. Review status: criteria provided, single submitter. Criteria: ACMG Guidelines, 2015. Collection method: research. Allele origin: germline. Inheritance: Autosomal recessive inheritance. Affected: no. Observed: 2 variant alleles, 2 heterozygotes.
Comment: This variant was classified as likely pathogenic based on ACMG/AMP 2015 criteria. The variant is absent or extremely rare in population databases (PM2), segregates with disease in the family (PP1), and multiple computational tools predict a deleterious effect on protein function (PP3). The patient's phenotype is highly specific for Primary Ciliary Dyskinesia and is consistent with the gene-disease association (PP4). Therefore, the variant was classified as Likely Pathogenic.